The following is an entry in ClinVar:

NM_000295.5(SERPINA1):c.426G>A (p.Leu142=)

Gene: SERPINA1 (serpin family A member 1; minus strand). Cytogenetic location: 14q32.13.
Variant type: single nucleotide variant.
Coding change: c.426G>A on transcript NM_000295.5 (MANE Select); coding-DNA position 426, G replaced by A.
Protein change: p.Leu142=; no amino-acid change (leucine 142 retained).
Molecular consequence: synonymous variant.
Genome position (GRCh38, 1-based): chr14:94,382,812, C>T on the plus strand (G>A on the coding strand, the complement: SERPINA1 is on the minus strand). VCF-style: chr14-94382812-C-T. GRCh37 (hg19) VCF-style: chr14-94849149-C-T.
Other names: c.426G>A, p.Leu142= (NM_001002235.3, NM_001002236.3, NM_001127700.2 and 7 more transcripts); c.426G>A (NM_000295.4).
Identifiers: ClinVar variation 1086058 (VCV001086058.10), dbSNP rs758835662, ClinGen allele CA7327500.

ClinVar aggregate classification (germline): Likely benign. Review status: criteria provided, multiple submitters, no conflicts (2 of 4 stars). 2 submissions from 2 submitters: Likely benign (2). Last evaluated 2025-07-13.

Conditions:
Alpha-1-antitrypsin deficiency (A1ATD). Also called: AAT deficiency; A1AT deficiency; Alpha1-Antitrypsin Deficiency. Identifiers: Orphanet 60, MedGen C0221757, MONDO:0013282, OMIM 613490.
SERPINA1-related disorder. Also called: SerpinA1-related disorders; SERPINA1-related condition.

Allele frequency attached by ClinVar (database versions not stated): gnomAD exomes 0.00005; ExAC 0.00006.
gnomAD v4.1: 50 of 1,614,262 alleles (0.0031%); highest among the groups gnomAD compares: South Asian, 0.049%; no homozygotes.

Submissions (2):

Labcorp Genetics (formerly Invitae), Labcorp
Classification: Likely benign for Alpha-1-antitrypsin deficiency. Last evaluated: 2025-07-13. Review status: criteria provided, single submitter. Criteria: Invitae Variant Classification Sherloc (09022015). Collection method: clinical testing. Allele origin: germline.

PreventionGenetics, part of Exact Sciences
Classification: Likely benign for SERPINA1-related condition. Last evaluated: 2025-01-07. Review status: criteria provided, single submitter. Criteria: ACMG Guidelines, 2015. Collection method: clinical testing. Allele origin: germline.
Comment: This variant is classified as likely benign based on ACMG/AMP sequence variant interpretation guidelines (Richards et al. 2015 PMID: 25741868, with internal and published modifications).